The following is an entry in ClinVar:

ClinVar aggregate classification (germline): Uncertain significance (1 of 4 stars; one submission).

Submission:

Women's Health and Genetics/Laboratory Corporation of America, LabCorp
Classification: Uncertain significance. Last evaluated: 2025-01-23. Review status: criteria provided, single submitter. Criteria: LabCorp Variant Classification Summary - May 2015. Collection method: clinical testing. Allele origin: germline.
Comment: Variant summary: TG c.1637A>G (p.Lys546Arg) results in a conservative amino acid change in the encoded protein sequence. Five of five in-silico tools predict a benign effect of the variant on protein function. The variant was absent in 251446 control chromosomes. The available data on variant occurrences in the general population are insufficient to allow any conclusion about variant significance. To our knowledge, no occurrence of c.1637A>G in individuals affected with TG-Related Disorders and no experimental evidence demonstrating its impact on protein function have been reported. No submitters have cited clinical-significance assessments for this variant to ClinVar. Based on the evidence outlined above, the variant was classified as uncertain significance.

NM_003235.5(TG):c.1637A>G (p.Lys546Arg)

Gene: TG (thyroglobulin; plus strand). Cytogenetic location: 8q24.22.
Variant type: single nucleotide variant.
Coding change: c.1637A>G on transcript NM_003235.5 (MANE Select); coding-DNA position 1637, A replaced by G.
Protein change: p.Lys546Arg; replaces lysine 546 with arginine.
Molecular consequence: missense variant.
Genome position (GRCh38, 1-based): chr8:132,887,009, A>G. VCF-style: chr8-132887009-A-G. GRCh37 (hg19) VCF-style: chr8-133899254-A-G.
Other names: short protein forms K546R.
Identifiers: ClinVar variation 3769473 (VCV003769473.2).